The following is an entry in ClinVar:

NM_000059.4(BRCA2):c.4189G>A (p.Glu1397Lys)

Gene: BRCA2 (BRCA2 DNA repair associated; plus strand). Cytogenetic location: 13q13.1.
Variant type: single nucleotide variant.
Coding change: c.4189G>A on transcript NM_000059.4 (MANE Select); coding-DNA position 4189, G replaced by A.
Protein change: p.Glu1397Lys; replaces glutamic acid 1397 with lysine.
Molecular consequence: missense variant.
Genome position (GRCh38, 1-based): chr13:32,338,544, G>A. VCF-style: chr13-32338544-G-A. GRCh37 (hg19) VCF-style: chr13-32912681-G-A.
Other names: p.E1397K:GAA>AAA; 4417G>A; short protein forms E1397K.
Identifiers: ClinVar variation 37887 (VCV000037887.35), dbSNP rs28897726, ClinGen allele CA019698.
Genomic context (GRCh38, chr13:32,338,544, plus strand): 5'-AACACTCAGATTAAAGAAGATTTGTCAGATTTAACTTTTTTGGAAGTTGCGAAAGCTCAA[G>A]AAGCATGTCATGGTAATACTTCAAATAAAGAACAGTTAACTGCTACTAAAACGGAGCAAA-3'
Protein context (NP_000050.3, residues 1387-1407): LTFLEVAKAQ[Glu1397Lys]ACHGNTSNKE

ClinVar aggregate classification (germline): Conflicting classifications of pathogenicity. Review status: criteria provided, conflicting classifications (1 of 4 stars). 10 submissions from 10 submitters: Uncertain significance (7); Likely benign (1). 2 of the submissions do not count toward it. Last evaluated 2025-10-30.

Conditions:
BRCA2-related disorder. Also called: BRCA2-related condition; BRCA2-related disorders. Identifiers: MedGen CN239275.
Hereditary cancer-predisposing syndrome. Also called: Tumor predisposition; Neoplastic Syndromes, Hereditary; Hereditary neoplastic syndrome; Hereditary Cancer Syndrome. Identifiers: Orphanet 140162, MedGen C0027672, MeSH D009386, MONDO:0015356.
Hereditary breast ovarian cancer syndrome. Also called: Hereditary breast and ovarian cancer; Hereditary breast and ovarian cancer syndrome (HBOC); Hereditary breast and/or ovarian cancer syndrome; Breast and ovarian cancer; Hereditary breast and ovarian cancer syndrome; BRCA1- and BRCA2-Associated Hereditary Breast and Ovarian Cancer. Identifiers: Orphanet 145, MedGen C0677776, MeSH D061325, MONDO:0003582. Disease mechanism: loss of function.
Breast-ovarian cancer, familial, susceptibility to, 2 (BROVCA2). Also called: BRCA2 Hereditary Breast and Ovarian Cancer. Identifiers: Orphanet 145, MedGen C2675520, MONDO:0012933, OMIM 612555. Disease mechanism: loss of function.

Allele frequency attached by ClinVar (database versions not stated): gnomAD exomes below 0.00001.
gnomAD v4.1: 6 of 1,603,430 alleles (0.00037%); highest among the groups gnomAD compares: Non-Finnish European, 0.00034%; no homozygotes.

Submissions (10):

Women's Health and Genetics/Laboratory Corporation of America, LabCorp
Classification: Uncertain significance. Last evaluated: 2025-10-30. Review status: criteria provided, single submitter. Criteria: LabCorp Variant Classification Summary - May 2015. Collection method: clinical testing. Allele origin: germline.
Comment: Variant summary: BRCA2 c.4189G>A (p.Glu1397Lys) results in a conservative amino acid change in the encoded protein sequence. Algorithms developed to predict the effect of missense changes on protein structure and function are either unavailable or do not agree on the potential impact of this missense change. The variant was absent in 241566 control chromosomes. The available data on variant occurrences in the general population are insufficient to allow any conclusion about variant significance. c.4189G>A has been reported in the literature in individuals affected with Hereditary Breast And Ovarian Cancer Syndrome, without strong evidence for causality (example: Morgan_2010, Hondow_2011, Mattocks_2010, Kaur_2018, Schenkel_2016). These reports do not provide unequivocal conclusions about association of the variant with Hereditary Breast And Ovarian Cancer Syndrome. The variant has been observed to co-occur with a pathogenic BRCA2 c.4163_4164delCTinsA in at least 6 individuals (3 internal specimens, 3 BIC individuals) providing supporting evidence for a benign role. The variant has also been reported to co-occur with another pathogenic BRCA2 variant, c.4169delT (Mattocks_2010; phase not specified). To our knowledge, no experimental evidence demonstrating an impact on protein function has been reported. The following publications have been ascertained in the context of this evaluation (PMID: 21702907, 29700634, 20167696, 20127978, 18724707, 21621601, 27376475). ClinVar contains an entry for this variant (Variation ID: 37887). Based on the evidence outlined above, the variant was classified as VUS-possibly benign.

Labcorp Genetics (formerly Invitae), Labcorp
Classification: Uncertain significance for Hereditary breast ovarian cancer syndrome. Last evaluated: 2025-10-13. Review status: criteria provided, single submitter. Criteria: Invitae Variant Classification Sherloc (09022015). Collection method: clinical testing. Allele origin: germline.
Comment: This sequence change replaces glutamic acid, which is acidic and polar, with lysine, which is basic and polar, at codon 1397 of the BRCA2 protein (p.Glu1397Lys). This variant is not present in population databases (gnomAD no frequency). This missense change has been observed in individual(s) with breast cancer or at risk for hereditary breast and ovarian cancer (PMID: 20127978, 29700634). ClinVar contains an entry for this variant (Variation ID: 37887). Invitae Evidence Modeling of protein sequence and biophysical properties (such as structural, functional, and spatial information, amino acid conservation, physicochemical variation, residue mobility, and thermodynamic stability) indicates that this missense variant is not expected to disrupt BRCA2 protein function with a negative predictive value of 95%. In summary, the available evidence is currently insufficient to determine the role of this variant in disease. Therefore, it has been classified as a Variant of Uncertain Significance.

Color Diagnostics, LLC DBA Color Health
Classification: Uncertain significance for Hereditary cancer-predisposing syndrome. Last evaluated: 2024-04-29. Review status: criteria provided, single submitter. Criteria: ACMG Guidelines, 2015. Collection method: clinical testing. Allele origin: germline.
Comment: This missense variant replaces glutamic acid with lysine at codon 1397 of the BRCA2 protein. Computational prediction suggests that this variant may not impact protein structure and function. To our knowledge, functional studies have not been reported for this variant. This variant has been reported in individuals with a personal or family history of breast and/or ovarian cancer and in some of these individuals this variant was observed in cis with BRCA2 c.4163_4164delCTinsA (PMID: 20127978, 27376475, 33471991;Leiden Open Variation Database DB-ID BRCA2_003742, kConFab database, Color internal data). This variant has not been identified in the general population by the Genome Aggregation Database (gnomAD). The available evidence is insufficient to determine the role of this variant in disease conclusively. Therefore, this variant is classified as a Variant of Uncertain Significance.

Quest Diagnostics Nichols Institute San Juan Capistrano
Classification: Uncertain significance. Last evaluated: 2023-12-14. Review status: criteria provided, single submitter. Criteria: Quest Diagnostics criteria. Collection method: clinical testing. Allele origin: unknown.
Comment: The BRCA2 c.4189G>A (p.Glu1397Lys) variant has been reported in the published literature in cases of breast cancer (PMID: 33471991 (2021), 20127978 (2010), see also LOVD). Additionally, the variant is described to be located in a region of the BRCA2 gene that is tolerant to missense sequence changes (PMID: 31911673 (2020)). This variant has not been reported in large, multi-ethnic general populations (Genome Aggregation Database). Analysis of this variant using bioinformatics tools for the prediction of the effect of amino acid changes on protein structure and function yielded conflicting predictions that this variant is benign or damaging. Based on the available information, we are unable to determine the clinical significance of this variant.

Ambry Genetics
Classification: Uncertain significance for Hereditary cancer-predisposing syndrome. Last evaluated: 2023-12-08. Review status: criteria provided, single submitter. Criteria: Ambry Variant Classification Scheme 2023. Collection method: clinical testing. Allele origin: germline.
Comment: The p.E1397K variant (also known as c.4189G>A), located in coding exon 10 of the BRCA2 gene, results from a G to A substitution at nucleotide position 4189. The glutamic acid at codon 1397 is replaced by lysine, an amino acid with similar properties. This amino acid position is well conserved in available vertebrate species. In addition, this alteration is predicted to be tolerated by in silico analysis. Since supporting evidence is limited at this time, the clinical significance of this alteration remains unclear.

GeneDx
Classification: Uncertain significance. Last evaluated: 2023-06-13. Review status: criteria provided, single submitter. Criteria: GeneDx Variant Classification Process June 2021. Collection method: clinical testing. Allele origin: germline. Affected: yes.
Comment: Not observed at significant frequency in large population cohorts (gnomAD); In silico analysis supports that this missense variant has a deleterious effect on protein structure/function; Also known as 4417G>A; This variant is associated with the following publications: (PMID: 18724707, 20167696, 21702907, 20127978, 27376475, 10923033, 29700634, 33471991, 29884841, 32377563)

University of Washington Department of Laboratory Medicine, University of Washington
Classification: Likely benign for Hereditary cancer-predisposing syndrome. Last evaluated: 2023-03-23. Review status: criteria provided, single submitter. Criteria: Dines et al. (Genet Med. 2020). Collection method: curation. Allele origin: germline.
Comment: Missense variant in a coldspot region where missense variants are very unlikely to be pathogenic (PMID:31911673).

BRCA2 exon 11 coldspot. Reclassification based on statistical prior probability.

Sema4
Classification: Uncertain significance for Hereditary cancer-predisposing syndrome. Last evaluated: 2021-06-23. Review status: criteria provided, single submitter. Criteria: Sema4 Curation Guidelines. Collection method: curation. Allele origin: germline.
Comment: The BRCA2 c.4189G>A (p.E1397K) variant has been reported in heterozygosity in individuals with or at risk of developing hereditary breast and/or ovarian cancer (PMID: 33471991, 29700634, 27376475, 20127978). It was not observed in the large and broad cohorts of the Genome Aggregation Database (PMID: 32461654). The variant has been reported in ClinVar (Variation ID: 37887). In silico tools suggest the impact of the variant on protein function is inconclusive, though these predictions have not been confirmed by functional studies. The evidence is insufficient to meet ACMG/AMP criteria for classifying the variant as benign or pathogenic. Thus, the clinical significance of this variant is currently uncertain.

Sharing Clinical Reports Project (SCRP)
Classification: Uncertain significance for Breast-ovarian cancer, familial 2. Last evaluated: 2009-11-23. Review status: no assertion criteria provided. Collection method: clinical testing. Allele origin: germline. Not counted in ClinVar's aggregate classification.

Breast Cancer Information Core (BIC) (BRCA2)
Classification: Uncertain significance for Breast-ovarian cancer, familial 2. Last evaluated: 2004-02-20. Review status: no assertion criteria provided. Collection method: clinical testing. Allele origin: germline. Affected: yes. Observed: 3 variant alleles. Not counted in ClinVar's aggregate classification.

Literature cited by the submitters: PubMed 21702907 (cited by Women's Health and Genetics/Laboratory Corporation of America, LabCorp); PubMed 18724707 (cited by 3 submitters); PubMed 20167696 (cited by Women's Health and Genetics/Laboratory Corporation of America, LabCorp); PubMed 20127978 (cited by 6 submitters); PubMed 27376475 (cited by 5 submitters); PubMed 21621601 (cited by Women's Health and Genetics/Laboratory Corporation of America, LabCorp); PubMed 29700634 (cited by 4 submitters); PubMed 33471991 (cited by 3 submitters); PubMed 31911673 (cited by Quest Diagnostics Nichols Institute San Juan Capistrano).